The following is an entry in ClinVar:

ClinVar aggregate classification (germline): Uncertain significance (1 of 4 stars; one submission).

Conditions:
Methylcobalamin deficiency type cblG (HMAG). Also called: HOMOCYSTINURIA-MEGALOBLASTIC ANEMIA, cblG TYPE; HOMOCYSTINURIA-MEGALOBLASTIC ANEMIA, cblG COMPLEMENTATION TYPE; Functional methionine synthase deficiency type cblG; HOMOCYSTINURIA-MEGALOBLASTIC ANEMIA DUE TO DEFECT IN COBALAMIN METABOLISM, cblG COMPLEMENTATION TYPE. Identifiers: Orphanet 2170, Orphanet 622, MedGen C1855128, MONDO:0009609, OMIM 250940.

Allele frequency attached by ClinVar (database versions not stated): gnomAD 0.00001; TOPMed 0.00001.
gnomAD v4.1: 2 of 1,613,874 alleles (0.00012%); highest among the groups gnomAD compares: Admixed American, 0.0033%; no homozygotes.

Submission:

Labcorp Genetics (formerly Invitae), Labcorp
Classification: Uncertain significance for Methylcobalamin deficiency type cblG. Last evaluated: 2024-06-17. Review status: criteria provided, single submitter. Criteria: Invitae Variant Classification Sherloc (09022015). Collection method: clinical testing. Allele origin: germline.
Comment: This sequence change replaces proline, which is neutral and non-polar, with leucine, which is neutral and non-polar, at codon 347 of the MTR protein (p.Pro347Leu). This variant is not present in population databases (gnomAD no frequency). This variant has not been reported in the literature in individuals affected with MTR-related conditions. ClinVar contains an entry for this variant (Variation ID: 2124047). Advanced modeling of protein sequence and biophysical properties (such as structural, functional, and spatial information, amino acid conservation, physicochemical variation, residue mobility, and thermodynamic stability) performed at Invitae indicates that this missense variant is not expected to disrupt MTR protein function with a negative predictive value of 80%. In summary, the available evidence is currently insufficient to determine the role of this variant in disease. Therefore, it has been classified as a Variant of Uncertain Significance.

NM_000254.3(MTR):c.1040C>T (p.Pro347Leu)

Gene: MTR (5-methyltetrahydrofolate-homocysteine methyltransferase; plus strand). Cytogenetic location: 1q43.
Variant type: single nucleotide variant.
Coding change: c.1040C>T on transcript NM_000254.3 (MANE Select); coding-DNA position 1040, C replaced by T.
Protein change: p.Pro347Leu; replaces proline 347 with leucine.
Molecular consequence: missense variant. On other transcripts: 5 prime UTR variant (1).
Genome position (GRCh38, 1-based): chr1:236,829,233, C>T. VCF-style: chr1-236829233-C-T. GRCh37 (hg19) VCF-style: chr1-236992533-C-T.
Other names: c.1040C>T, p.Pro347Leu (NM_001291939.1, NM_001410942.1); c.-69C>T (NM_001291940.2); short protein forms P347L.
Identifiers: ClinVar variation 2124047 (VCV002124047.4), dbSNP rs1322419653, ClinGen allele CA345391668.